The following is an entry in ClinVar:

ClinVar aggregate classification (germline): Uncertain significance. Review status: criteria provided, single submitter (1 of 4 stars). 2 submissions from 2 submitters: Uncertain significance (1). 1 of the submissions does not count toward it. Last evaluated 2022-03-28.

Conditions:
MITF-related disorder. Also called: MITF-related condition.

Submissions (2):

GeneDx
Classification: Uncertain significance. Last evaluated: 2022-03-28. Review status: criteria provided, single submitter. Criteria: GeneDx Variant Classification Process June 2021. Collection method: clinical testing. Allele origin: germline. Affected: yes.
Comment: Not observed at significant frequency in large population cohorts (gnomAD); Located in a region that tolerates variation and lacks pathogenic variants; Has not been previously published as pathogenic or benign to our knowledge

PreventionGenetics, part of Exact Sciences
Classification: Likely benign for MITF-related condition. Last evaluated: 2020-12-22. Review status: no assertion criteria provided. Collection method: clinical testing. Allele origin: germline. Not counted in ClinVar's aggregate classification.
Comment: This variant is classified as likely benign based on ACMG/AMP sequence variant interpretation guidelines (Richards et al. 2015 PMID: 25741868, with internal and published modifications).

NM_001354604.2(MITF):c.*7C>G

Gene: MITF (melanocyte inducing transcription factor; plus strand). Cytogenetic location: 3p13.
Variant type: single nucleotide variant.
Coding change: c.*7C>G on transcript NM_001354604.2 (MANE Select); 7 bases downstream of the stop codon, C replaced by G.
Molecular consequence: 3 prime UTR variant.
Genome position (GRCh38, 1-based): chr3:69,965,255, C>G. VCF-style: chr3-69965255-C-G. GRCh37 (hg19) VCF-style: chr3-70014406-C-G.
Other names: c.*7C>G (NM_000248.4, NM_001184967.2, NM_001354605.2 and 8 more transcripts).
Identifiers: ClinVar variation 1708007 (VCV001708007.4), dbSNP rs1276461945, ClinGen allele CA543808492.